The following is an entry in ClinVar:

ClinVar aggregate classification (germline): Uncertain significance. Review status: criteria provided, multiple submitters, no conflicts (2 of 4 stars). 2 submissions from 2 submitters: Uncertain significance (2). Last evaluated 2024-10-24.

Conditions:
Epilepsy, familial focal, with variable foci 3 (FFEVF3). Identifiers: MedGen C4310708, MONDO:0014925, OMIM 617118.

Submissions (2):

Labcorp Genetics (formerly Invitae), Labcorp
Classification: Uncertain significance for Epilepsy, familial focal, with variable foci 3. Last evaluated: 2024-10-24. Review status: criteria provided, single submitter. Criteria: Invitae Variant Classification Sherloc (09022015). Collection method: clinical testing. Allele origin: germline.
Comment: This sequence change replaces valine, which is neutral and non-polar, with leucine, which is neutral and non-polar, at codon 177 of the NPRL3 protein (p.Val177Leu). This variant is not present in population databases (gnomAD no frequency). This variant has not been reported in the literature in individuals affected with NPRL3-related conditions. ClinVar contains an entry for this variant (Variation ID: 2091354). Invitae Evidence Modeling of protein sequence and biophysical properties (such as structural, functional, and spatial information, amino acid conservation, physicochemical variation, residue mobility, and thermodynamic stability) indicates that this missense variant is not expected to disrupt NPRL3 protein function with a negative predictive value of 80%. In summary, the available evidence is currently insufficient to determine the role of this variant in disease. Therefore, it has been classified as a Variant of Uncertain Significance.

Revvity Omics, Revvity
Classification: Uncertain significance for Epilepsy, familial focal, with variable foci 3. Last evaluated: 2024-01-11. Review status: criteria provided, single submitter. Criteria: ACMG Guidelines, 2015. Collection method: clinical testing. Allele origin: germline.

NM_001077350.3(NPRL3):c.529G>T (p.Val177Leu)

Genes: HBA-LCR (alpha-globin locus control region; plus strand), NPRL3 (NPR3 like, GATOR1 complex subunit; minus strand). Cytogenetic location: 16p13.3.
Variant type: single nucleotide variant.
Coding change: c.529G>T on transcript NM_001077350.3 (MANE Select); coding-DNA position 529, G replaced by T.
Protein change: p.Val177Leu; replaces valine 177 with leucine.
Molecular consequence: missense variant. On other transcripts: 5 prime UTR variant (1).
Genome position (GRCh38, 1-based): chr16:112,640, C>A on the plus strand (G>T on the coding strand, the complement: NPRL3 is on the minus strand). VCF-style: chr16-112640-C-A. GRCh37 (hg19) VCF-style: chr16-162639-C-A.
Other names: c.529G>T (NM_001077350.2); c.-9G>T (NM_001039476.3); c.295G>T, p.Val99Leu (NM_001243247.2); c.454G>T, p.Val152Leu (NM_001243248.2, NM_001243249.2); short protein forms V177L, V152L, V99L.
Identifiers: ClinVar variation 2091354 (VCV002091354.6), dbSNP rs2542856014, ClinGen allele CA393993610.